The following is an entry in ClinVar:

NM_006031.6(PCNT):c.7094C>T (p.Pro2365Leu)

Gene: PCNT (pericentrin; plus strand). Cytogenetic location: 21q22.3.
Variant type: single nucleotide variant.
Coding change: c.7094C>T on transcript NM_006031.6 (MANE Select); coding-DNA position 7094, C replaced by T.
Protein change: p.Pro2365Leu; replaces proline 2365 with leucine.
Molecular consequence: missense variant.
Genome position (GRCh38, 1-based): chr21:46,422,039, C>T. VCF-style: chr21-46422039-C-T. GRCh37 (hg19) VCF-style: chr21-47841953-C-T.
Other names: c.6740C>T, p.Pro2247Leu (NM_001315529.2); short protein forms P2365L, P2247L.
Identifiers: ClinVar variation 5000105 (VCV005000105.1).
Genomic context (GRCh38, chr21:46,422,039, plus strand): 5'-CGGGTTTTGGAGCAAGACTGAGCCCGGGGTCAGGAGGCCCTGAGGCTCAAACTGCTGGTC[C>T]TGTGACCCCTGCTTCCATCTCTGGAAGGTTTCAGCCGCTGCCGGAAGCCATGAAGGAGAA-3'
Protein context (NP_006022.3, residues 2355-2375): SGGPEAQTAG[Pro2365Leu]VTPASISGRF

ClinVar aggregate classification (germline): Uncertain significance (1 of 4 stars; one submission).

Conditions:
PCNT-related disorder. Also called: PCNT-related condition.

gnomAD v4.1: 15 of 1,613,948 alleles (0.00093%); highest among the groups gnomAD compares: African/African-American, 0.0027%; no homozygotes.

Submission:

PreventionGenetics, part of Exact Sciences
Classification: Uncertain significance for PCNT-related condition. Last evaluated: 2024-11-23. Review status: criteria provided, single submitter. Criteria: ACMG Guidelines, 2015. Collection method: clinical testing. Allele origin: germline.
Comment: The PCNT c.7094C>T variant is predicted to result in the amino acid substitution p.Pro2365Leu. To our knowledge, this variant has not been reported in the literature. This variant is reported in 0.0018% of alleles in individuals of European (Non-Finnish) descent in gnomAD. At this time, the clinical significance of this variant is uncertain due to the absence of conclusive functional and genetic evidence.